The following is an entry in ClinVar:

NM_000038.6(APC):c.5945A>T (p.Lys1982Ile)

Gene: APC (APC regulator of Wnt signaling pathway; plus strand). Cytogenetic location: 5q22.2.
Variant type: single nucleotide variant.
Coding change: c.5945A>T on transcript NM_000038.6 (MANE Select); coding-DNA position 5945, A replaced by T.
Protein change: p.Lys1982Ile; replaces lysine 1982 with isoleucine.
Molecular consequence: missense variant. On other transcripts: non-coding transcript variant (2).
Genome position (GRCh38, 1-based): chr5:112,841,539, A>T. VCF-style: chr5-112841539-A-T. GRCh37 (hg19) VCF-style: chr5-112177236-A-T.
Other names: c.5945A>T, p.Lys1982Ile (NM_001127510.3, NM_001354895.2, NM_001407450.1); c.5891A>T, p.Lys1964Ile (NM_001127511.3); c.5999A>T, p.Lys2000Ile (NM_001354896.2, NM_001407447.1, NM_001407448.1 and 1 more transcripts); c.5975A>T, p.Lys1992Ile (NM_001354897.2); c.5870A>T, p.Lys1957Ile (NM_001354898.2); c.5861A>T, p.Lys1954Ile (NM_001354899.2); c.5822A>T, p.Lys1941Ile (NM_001354900.2); c.5768A>T, p.Lys1923Ile (NM_001354901.2, NM_001407453.1); and 11 more; short protein forms K1853I, K1954I, K1975I, K1982I, K1598I, K1822I, K1881I, K1941I.
Identifiers: ClinVar variation 3411233 (VCV003411233.1).

ClinVar aggregate classification (germline): Uncertain significance (1 of 4 stars; one submission).

Conditions:
Hereditary cancer-predisposing syndrome. Also called: Neoplastic Syndromes, Hereditary; Tumor predisposition; Hereditary Cancer Syndrome; Hereditary neoplastic syndrome. Identifiers: Orphanet 140162, MedGen C0027672, MeSH D009386, MONDO:0015356.

Submission:

Ambry Genetics
Classification: Uncertain significance for Hereditary cancer-predisposing syndrome. Last evaluated: 2024-09-18. Review status: criteria provided, single submitter. Criteria: Ambry Variant Classification Scheme 2023. Collection method: clinical testing. Allele origin: germline.
Comment: The p.K1982I variant (also known as c.5945A>T), located in coding exon 15 of the APC gene, results from an A to T substitution at nucleotide position 5945. The lysine at codon 1982 is replaced by isoleucine, an amino acid with dissimilar properties. This amino acid position is conserved. In addition, in silico predictors for this gene do not accurately predict pathogenicity. Based on the available evidence, the clinical significance of this variant remains unclear.